The following is an entry in ClinVar:

ClinVar aggregate classification (germline): Pathogenic. Review status: criteria provided, multiple submitters, no conflicts (2 of 4 stars). 2 submissions from 2 submitters: Pathogenic (2). Last evaluated 2023-09-11.

Conditions:
Familial cancer of breast. Also called: Hereditary breast cancer; BREAST CANCER, FAMILIAL; hereditary breast carcinoma. Identifiers: Orphanet 227535, MedGen C0346153, MONDO:0016419, OMIM 114480. Disease mechanism: loss of function.

Submissions (2):

Myriad Genetics, Inc.
Classification: Pathogenic for Familial cancer of breast. Last evaluated: 2023-09-11. Review status: criteria provided, single submitter. Criteria: Myriad Autosomal Dominant, Autosomal Recessive and X-Linked Classification Criteria (2023). Collection method: clinical testing. Allele origin: unknown.
Comment: This variant is considered pathogenic. This variant creates a frameshift predicted to result in premature protein truncation.

Labcorp Genetics (formerly Invitae), Labcorp
Classification: Pathogenic for Familial cancer of breast. Last evaluated: 2014-11-11. Review status: criteria provided, single submitter. Criteria: Invitae Variant Classification Sherloc (09022015). Collection method: clinical testing. Allele origin: germline.
Comment: While this particular sequence change has not been reported in the literature, truncating sequence changes in PALB2 are known to be pathogenic (PMID: 25099575, 17200668). For these reasons, this sequence change has been classified as Pathogenic. This sequence change deletes 4 nucleotides from exon 4 of the PALB2 mRNA (c.1671_1676delinsCG), causing a frameshift at codon 558. This creates a premature translational stop signal (p.Ile558Glufs*2) and is expected to result in an absent or disrupted protein product.

Literature cited by the submitters: PubMed 25099575 (cited by Labcorp Genetics (formerly Invitae), Labcorp); PubMed 17200668 (cited by Labcorp Genetics (formerly Invitae), Labcorp).

NM_024675.4(PALB2):c.1671_1676delinsCG (p.Ile558fs)

Gene: PALB2 (partner and localizer of BRCA2; minus strand). Cytogenetic location: 16p12.2.
Variant type: Indel.
Coding change: c.1671_1676delinsCG on transcript NM_024675.4 (MANE Select); coding-DNA positions 1671 to 1676, TATTCA replaced by CG.
Protein change: p.Ile558fs; shifts the reading frame from isoleucine 558.
Molecular consequence: frameshift variant. On other transcripts: intron variant (3).
Genome position (GRCh38, 1-based): chr16:23,634,870-23,634,875, TGAATA replaced by CG on the plus strand (TATTCA replaced by CG on the coding strand, the reverse complement: PALB2 is on the minus strand). VCF-style: chr16-23634870-TGAATA-CG. GRCh37 (hg19) VCF-style: chr16-23646191-TGAATA-CG.
Other names: c.1611_1616delinsCG, p.Ile538fs (NM_001407296.1); c.1671_1676delinsCG, p.Ile558fs (NM_001407297.1, NM_001407298.1, NM_001407299.1 and 3 more transcripts); c.786_791delinsCG, p.Ile263fs (NM_001407304.1, NM_001407305.1, NM_001407306.1 and 5 more transcripts); c.49-5600_49-5595delinsCG (NM_001407314.1); c.-104-4406_-104-4401delinsCG (NM_001407313.1, NM_001407312.1); short protein forms I263fs, I538fs, I558fs.
Identifiers: ClinVar variation 2674144 (VCV002674144.2), dbSNP rs2506469411, ClinGen allele CA2695197539.